The following is an entry in ClinVar:

NM_001195263.2(PDZD7):c.1149G>C (p.Trp383Cys)

Gene: PDZD7 (PDZ domain containing 7; minus strand). Cytogenetic location: 10q24.31.
Variant type: single nucleotide variant.
Coding change: c.1149G>C on transcript NM_001195263.2 (MANE Select); coding-DNA position 1149, G replaced by C.
Protein change: p.Trp383Cys; replaces tryptophan 383 with cysteine.
Molecular consequence: missense variant.
Genome position (GRCh38, 1-based): chr10:101,018,997, C>G on the plus strand (G>C on the coding strand, the complement: PDZD7 is on the minus strand). VCF-style: chr10-101018997-C-G. GRCh37 (hg19) VCF-style: chr10-102778754-C-G.
Other names: c.1149G>C, p.Trp383Cys (NM_001351044.2, NM_024895.5); c.1149G>C (NM_001195263.1); short protein forms W383C.
Identifiers: ClinVar variation 1364832 (VCV001364832.7), dbSNP rs754408663, ClinGen allele CA5654152.

ClinVar aggregate classification (germline): Uncertain significance. Review status: criteria provided, multiple submitters, no conflicts (2 of 4 stars). 2 submissions from 2 submitters: Uncertain significance (2). Last evaluated 2023-07-05.

Conditions:
Inborn genetic diseases. Identifiers: MedGen C0950123, MeSH D030342.

Allele frequency attached by ClinVar (database versions not stated): gnomAD exomes 0.00001 and 0.00003; ExAC 0.00008.
gnomAD v4.1: 19 of 1,579,298 alleles (0.0012%); highest among the groups gnomAD compares: South Asian, 0.021%; no homozygotes.

Submissions (2):

Ambry Genetics
Classification: Uncertain significance for Inborn genetic diseases. Last evaluated: 2023-07-05. Review status: criteria provided, single submitter. Criteria: Ambry Variant Classification Scheme 2023. Collection method: clinical testing. Allele origin: germline.

Labcorp Genetics (formerly Invitae), Labcorp
Classification: Uncertain significance. Last evaluated: 2022-12-05. Review status: criteria provided, single submitter. Criteria: Invitae Variant Classification Sherloc (09022015). Collection method: clinical testing. Allele origin: germline.
Comment: In summary, the available evidence is currently insufficient to determine the role of this variant in disease. Therefore, it has been classified as a Variant of Uncertain Significance. Advanced modeling of protein sequence and biophysical properties (such as structural, functional, and spatial information, amino acid conservation, physicochemical variation, residue mobility, and thermodynamic stability) performed at Invitae indicates that this missense variant is not expected to disrupt PDZD7 protein function. ClinVar contains an entry for this variant (Variation ID: 1364832). This variant has not been reported in the literature in individuals affected with PDZD7-related conditions. This variant is present in population databases (rs754408663, gnomAD 0.02%). This sequence change replaces tryptophan, which is neutral and slightly polar, with cysteine, which is neutral and slightly polar, at codon 383 of the PDZD7 protein (p.Trp383Cys).